The following is an entry in ClinVar:

ClinVar aggregate classification (germline): Uncertain significance. Review status: criteria provided, multiple submitters, no conflicts (2 of 4 stars). 4 submissions from 4 submitters: Uncertain significance (4). Last evaluated 2025-03-10.

Conditions:
Primary ciliary dyskinesia. Also called: Ciliary dyskinesia. Identifiers: Orphanet 244, MedGen C0008780, MONDO:0016575, HP:0012265.

Allele frequency attached by ClinVar (database versions not stated): gnomAD 0.00005 and 0.00007; gnomAD exomes 0.00007 and 0.00010; TOPMed 0.00007; ExAC 0.00015; ESP Exome Variant Server 0.00023.
gnomAD v4.1: 105 of 1,600,024 alleles (0.0066%); highest among the groups gnomAD compares: South Asian, 0.03%; no homozygotes.

Submissions (4):

Labcorp Genetics (formerly Invitae), Labcorp
Classification: Uncertain significance for Primary ciliary dyskinesia. Last evaluated: 2025-03-10. Review status: criteria provided, single submitter. Criteria: Invitae Variant Classification Sherloc (09022015). Collection method: clinical testing. Allele origin: germline.
Comment: This sequence change replaces arginine, which is basic and polar, with glutamine, which is neutral and polar, at codon 1014 of the DNAH8 protein (p.Arg1014Gln). This variant is present in population databases (rs375687323, gnomAD 0.03%). This variant has not been reported in the literature in individuals affected with DNAH8-related conditions. ClinVar contains an entry for this variant (Variation ID: 1057722). An algorithm developed to predict the effect of missense changes on protein structure and function outputs the following: PolyPhen-2: "Not Available". The glutamine amino acid residue is found in multiple mammalian species, which suggests that this missense change does not adversely affect protein function. In summary, the available evidence is currently insufficient to determine the role of this variant in disease. Therefore, it has been classified as a Variant of Uncertain Significance.

Ambry Genetics
Classification: Uncertain significance. Last evaluated: 2024-08-10. Review status: criteria provided, single submitter. Criteria: Ambry Variant Classification Scheme 2023. Collection method: clinical testing. Allele origin: germline.

Blueprint Genetics
Classification: Uncertain significance. Last evaluated: 2024-02-22. Review status: criteria provided, single submitter. Criteria: ACMG Guidelines, 2015. Collection method: clinical testing. Allele origin: germline.

Breakthrough Genomics
Classification: Uncertain significance. Review status: criteria provided, single submitter. Criteria: ACMG Guidelines, 2015. Collection method: not provided. Allele origin: germline. Inheritance: Autosomal recessive inheritance. Affected: yes.

NM_001206927.2(DNAH8):c.3041G>A (p.Arg1014Gln)

Gene: DNAH8 (dynein axonemal heavy chain 8; plus strand). Cytogenetic location: 6p21.2.
Variant type: single nucleotide variant.
Coding change: c.3041G>A on transcript NM_001206927.2 (MANE Select); coding-DNA position 3041, G replaced by A.
Protein change: p.Arg1014Gln; replaces arginine 1014 with glutamine.
Molecular consequence: missense variant.
Genome position (GRCh38, 1-based): chr6:38,805,487, G>A. VCF-style: chr6-38805487-G-A. GRCh37 (hg19) VCF-style: chr6-38773263-G-A.
Other names: c.3041G>A (NM_001206927.1); c.2390G>A, p.Arg797Gln (NM_001371.4); short protein forms R1014Q, R797Q.
Identifiers: ClinVar variation 1057722 (VCV001057722.11), dbSNP rs375687323, ClinGen allele CA3788714.